The following is an entry in ClinVar:

ClinVar aggregate classification (germline): Conflicting classifications of pathogenicity. Review status: criteria provided, conflicting classifications (1 of 4 stars). 3 submissions from 3 submitters: Uncertain significance (2); Likely benign (1). Last evaluated 2025-07-24.

Allele frequency attached by ClinVar (database versions not stated): gnomAD 0.00001 and 0.00002; gnomAD exomes 0.00001; ExAC 0.00002; 1000 Genomes Project 0.00040; 1000 Genomes Project 30x 0.00047.
gnomAD v4.1: 5 of 1,613,438 alleles (0.00031%); highest among the groups gnomAD compares: Admixed American, 0.0083%; no homozygotes.

Submissions (3):

Molecular Diagnostic Laboratory for Inherited Cardiovascular Disease, Montreal Heart Institute
Classification: Likely benign. Last evaluated: 2025-07-24. Review status: criteria provided, single submitter. Criteria: ACMG Guidelines, 2015. Collection method: clinical testing. Allele origin: germline. Affected: no.
Comment: BP1

Athena Diagnostics
Classification: Uncertain significance. Last evaluated: 2020-06-03. Review status: criteria provided, single submitter. Criteria: Athena Diagnostics Criteria. Collection method: clinical testing. Allele origin: unknown.

Revvity Omics, Revvity
Classification: Uncertain significance. Last evaluated: 2019-08-29. Review status: criteria provided, single submitter. Criteria: ACMG Guidelines, 2015. Collection method: clinical testing. Allele origin: germline.

NM_001267550.2(TTN):c.76994T>G (p.Leu25665Arg)

Genes: TTN-AS1 (TTN antisense RNA 1; plus strand), TTN (titin; minus strand). Cytogenetic location: 2q31.2.
Variant type: single nucleotide variant.
Coding change: c.76994T>G on transcript NM_001267550.2 (MANE Select); coding-DNA position 76994, T replaced by G.
Protein change: p.Leu25665Arg; replaces leucine 25665 with arginine.
Molecular consequence: missense variant.
Genome position (GRCh38, 1-based): chr2:178,569,138, A>C on the plus strand (T>G on the coding strand, the complement: TTN is on the minus strand). VCF-style: chr2-178569138-A-C. GRCh37 (hg19) VCF-style: chr2-179433865-A-C.
Other names: c.72071T>G, p.Leu24024Arg (NM_001256850.1); c.49799T>G, p.Leu16600Arg (NM_003319.4); c.69290T>G, p.Leu23097Arg (NM_133378.4); c.50174T>G, p.Leu16725Arg (NM_133432.3); c.50375T>G, p.Leu16792Arg (NM_133437.4); short protein forms L16600R, L16725R, L16792R, L23097R, L24024R, L25665R.
Identifiers: ClinVar variation 995348 (VCV000995348.5), dbSNP rs188012906, ClinGen allele CA1989837.
Genomic context (GRCh38, chr2:178,569,138, plus strand): 5'-AGGCCAATACCATACTCATTCTCAGCTGTGACTCTAAAGTAATAACTGCAACCTTCTTGG[A>C]GCTGATCGATTTTCCAAGAATTCTTATGGCAGTTAGTTACAACAGCAGCATATGATTTTC-3'
Protein context (NP_001254479.2, residues 25655-25675): CHKNSWKIDQ[Leu25665Arg]QEGCSYYFRV